The following is an entry in ClinVar:

ClinVar aggregate classification (germline): Uncertain significance. Review status: criteria provided, multiple submitters, no conflicts (2 of 4 stars). 2 submissions from 2 submitters: Uncertain significance (2). Last evaluated 2026-01-28.

Conditions:
Ciliary dyskinesia, primary, 40. Also called: CILIARY DYSKINESIA, PRIMARY, 40, WITH OR WITHOUT SITUS INVERSUS. Identifiers: MedGen C4749028, MONDO:0032664, OMIM 618300.

Allele frequency attached by ClinVar (database versions not stated): ExAC 0.00004; gnomAD 0.00004; gnomAD exomes 0.00005; TOPMed 0.00006.
gnomAD v4.1: 86 of 1,613,744 alleles (0.0053%); highest among the groups gnomAD compares: Middle Eastern, 0.033%; no homozygotes.

Submissions (2):

Labcorp Genetics (formerly Invitae), Labcorp
Classification: Uncertain significance. Last evaluated: 2026-01-28. Review status: criteria provided, single submitter. Criteria: Invitae Variant Classification Sherloc (09022015). Collection method: clinical testing. Allele origin: germline.
Comment: This sequence change replaces isoleucine, which is neutral and non-polar, with threonine, which is neutral and polar, at codon 4415 of the DNAH9 protein (p.Ile4415Thr). This variant is present in population databases (rs762878900, gnomAD 0.01%). This missense change has been observed in individual(s) with clinical features of primary ciliary dyskinesia (PMID: 32037394; internal data). ClinVar contains an entry for this variant (Variation ID: 2045054). Invitae Evidence Modeling of protein sequence and biophysical properties (such as structural, functional, and spatial information, amino acid conservation, physicochemical variation, residue mobility, and thermodynamic stability) indicates that this missense variant is expected to disrupt DNAH9 protein function with a positive predictive value of 80%. In summary, the available evidence is currently insufficient to determine the role of this variant in disease. Therefore, it has been classified as a Variant of Uncertain Significance.

Genomic Medicine Center of Excellence, King Faisal Specialist Hospital and Research Centre
Classification: Uncertain significance for Ciliary dyskinesia, primary, 40. Last evaluated: 2024-03-26. Review status: criteria provided, single submitter. Criteria: ACMG Guidelines, 2015. Collection method: clinical testing. Allele origin: germline.

Literature cited by the submitters: PubMed 32037394 (cited by Labcorp Genetics (formerly Invitae), Labcorp).

NM_001372.4(DNAH9):c.13244T>C (p.Ile4415Thr)

Gene: DNAH9 (dynein axonemal heavy chain 9; plus strand). Cytogenetic location: 17p12.
Variant type: single nucleotide variant.
Coding change: c.13244T>C on transcript NM_001372.4 (MANE Select); coding-DNA position 13244, T replaced by C.
Protein change: p.Ile4415Thr; replaces isoleucine 4415 with threonine.
Molecular consequence: missense variant.
Genome position (GRCh38, 1-based): chr17:11,969,310, T>C. VCF-style: chr17-11969310-T-C. GRCh37 (hg19) VCF-style: chr17-11872627-T-C.
Other names: c.2180T>C, p.Ile727Thr (NM_004662.2); short protein forms I727T, I4415T.
Identifiers: ClinVar variation 2045054 (VCV002045054.4), dbSNP rs762878900, ClinGen allele CA8398391.